The following is an entry in ClinVar:

NM_181552.4(CUX1):c.1010C>T (p.Thr337Ile)

Gene: CUX1 (cut like homeobox 1; plus strand). Cytogenetic location: 7q22.1.
Variant type: single nucleotide variant.
Coding change: c.1010C>T on transcript NM_181552.4 (MANE Select); coding-DNA position 1010, C replaced by T.
Protein change: p.Thr337Ile; replaces threonine 337 with isoleucine.
Molecular consequence: missense variant.
Genome position (GRCh38, 1-based): chr7:102,178,650, C>T. VCF-style: chr7-102178650-C-T. GRCh37 (hg19) VCF-style: chr7-101821930-C-T.
Other names: c.1043C>T, p.Thr348Ile (NM_001202543.2, NM_001913.5); c.995C>T, p.Thr332Ile (NM_001202544.3); c.905C>T, p.Thr302Ile (NM_001202545.3); c.926C>T, p.Thr309Ile (NM_001202546.3); c.1037C>T, p.Thr346Ile (NM_181500.4); short protein forms T302I, T309I, T332I, T337I, T346I, T348I.
Identifiers: ClinVar variation 3901692 (VCV003901692.1).
Genomic context (GRCh38, chr7:102,178,650, plus strand): 5'-GGGAGAATTCGGCCAGCCAGATCTCACAGCTTGAGCAGCAGCTGAGCGCCAAAAACAGCA[C>T]ACTCAAAGTAAGGGGGCTGCGGGGCCCGGGGGTGGCCCGAGGAGGCAGGGCGGATGGCTG-3'
Protein context (NP_853530.2, residues 327-347): LEQQLSAKNS[Thr337Ile]LKQLEEKLKG

ClinVar aggregate classification (germline): Uncertain significance (1 of 4 stars; one submission).

Submission:

GeneDx
Classification: Uncertain significance. Last evaluated: 2024-12-03. Review status: criteria provided, single submitter. Criteria: GeneDx Variant Classification Process June 2021. Collection method: clinical testing. Allele origin: germline. Affected: yes.
Comment: Not observed at significant frequency in large population cohorts (gnomAD); In silico analysis indicates that this missense variant does not alter protein structure/function; Has not been previously published as pathogenic or benign to our knowledge